The following is an entry in ClinVar:

NM_004329.3(BMPR1A):c.623A>G (p.Asp208Gly)

Gene: BMPR1A (bone morphogenetic protein receptor type 1A; plus strand). Cytogenetic location: 10q23.2.
Variant type: single nucleotide variant.
Coding change: c.623A>G on transcript NM_004329.3 (MANE Select); coding-DNA position 623, A replaced by G.
Protein change: p.Asp208Gly; replaces aspartic acid 208 with glycine.
Molecular consequence: missense variant. On other transcripts: non-coding transcript variant (3), intron variant (1).
Genome position (GRCh38, 1-based): chr10:86,912,332, A>G. VCF-style: chr10-86912332-A-G. GRCh37 (hg19) VCF-style: chr10-88672089-A-G.
Other names: c.698A>G, p.Asp233Gly (NM_001406559.1); c.671A>G, p.Asp224Gly (NM_001406560.1); c.623A>G, p.Asp208Gly (NM_001406561.1, NM_001406562.1, NM_001406563.1 and 20 more transcripts); c.539A>G, p.Asp180Gly (NM_001406584.1, NM_001406585.1, NM_001406586.1 and 2 more transcripts); c.334-4802A>G (NM_001406589.1); short protein forms D224G, D233G, D180G, D208G.
Identifiers: ClinVar variation 3010616 (VCV003010616.4), dbSNP rs2539573718, ClinGen allele CA377454851.
Genomic context (GRCh38, chr10:86,912,332, plus strand): 5'-GTTACAATCGTGATTTGGAACAGGATGAAGCATTTATTCCAGTTGGAGAATCACTAAAAG[A>G]CCTTATTGACCAGTCACAAAGTTCTGGTAGTGGGTCTGGACTACCTTTATTGGTAAGTTA-3'
Protein context (NP_004320.2, residues 198-218): AFIPVGESLK[Asp208Gly]LIDQSQSSGS

ClinVar aggregate classification (germline): Uncertain significance. Review status: criteria provided, multiple submitters, no conflicts (2 of 4 stars). 2 submissions from 2 submitters: Uncertain significance (2). Last evaluated 2025-03-12.

Conditions:
Juvenile polyposis syndrome (JPS). Identifiers: Orphanet 2929, MedGen C0345893, MONDO:0017380, OMIM 174900.

Allele frequency attached by ClinVar (database versions not stated): gnomAD exomes below 0.00001.
gnomAD v4.1: 1 of 1,614,006 alleles (0.000062%); highest among the groups gnomAD compares: African/African-American, 0.0013%; no homozygotes.

Submissions (2):

GeneDx
Classification: Uncertain significance. Last evaluated: 2025-03-12. Review status: criteria provided, single submitter. Criteria: GeneDx Variant Classification Process June 2021. Collection method: clinical testing. Allele origin: germline. Affected: yes.
Comment: Not observed at significant frequency in large population cohorts (gnomAD); In silico analysis supports that this missense variant has a deleterious effect on protein structure/function; Has not been previously published as pathogenic or benign to our knowledge; Also known as p.D185G; This variant is associated with the following publications: (PMID: 23433720, 9759503)

Labcorp Genetics (formerly Invitae), Labcorp
Classification: Uncertain significance for Juvenile polyposis syndrome. Last evaluated: 2024-01-29. Review status: criteria provided, single submitter. Criteria: Invitae Variant Classification Sherloc (09022015). Collection method: clinical testing. Allele origin: germline.
Comment: This sequence change replaces aspartic acid, which is acidic and polar, with glycine, which is neutral and non-polar, at codon 208 of the BMPR1A protein (p.Asp208Gly). This variant is not present in population databases (gnomAD no frequency). This variant has not been reported in the literature in individuals affected with BMPR1A-related conditions. Advanced modeling of protein sequence and biophysical properties (such as structural, functional, and spatial information, amino acid conservation, physicochemical variation, residue mobility, and thermodynamic stability) has been performed at Invitae for this missense variant, however the output from this modeling did not meet the statistical confidence thresholds required to predict the impact of this variant on BMPR1A protein function. In summary, the available evidence is currently insufficient to determine the role of this variant in disease. Therefore, it has been classified as a Variant of Uncertain Significance.